The following is an entry in ClinVar:

ClinVar aggregate classification (germline): Uncertain significance (1 of 4 stars; one submission).

Conditions:
Charcot-Marie-Tooth Neuropathy X. Identifiers: MedGen CN118851.

Submission:

Labcorp Genetics (formerly Invitae), Labcorp
Classification: Uncertain significance for Charcot-Marie-Tooth Neuropathy X. Last evaluated: 2021-06-25. Review status: criteria provided, single submitter. Criteria: Invitae Variant Classification Sherloc (09022015). Collection method: clinical testing. Allele origin: germline.
Comment: This sequence change replaces proline with leucine at codon 158 of the GJB1 protein (p.Pro158Leu). The proline residue is highly conserved and there is a moderate physicochemical difference between proline and leucine. This variant is not present in population databases (ExAC no frequency). In summary, the available evidence is currently insufficient to determine the role of this variant in disease. Therefore, it has been classified as a Variant of Uncertain Significance. This variant disrupts the p.Pro158 amino acid residue in GJB1. Other variant(s) that disrupt this residue have been observed in individuals with GJB1-related conditions (PMID: 26989944, 9401007, 15006706), which suggests that this may be a clinically significant amino acid residue. Algorithms developed to predict the effect of missense changes on protein structure and function (SIFT, PolyPhen-2, Align-GVGD) all suggest that this variant is likely to be disruptive, but these predictions have not been confirmed by published functional studies and their clinical significance is uncertain. This variant has been observed in individual(s) with clinical features of GJB1-related conditions (Invitae).

Literature cited by the submitters: PubMed 26989944; PubMed 9401007; PubMed 15006706.

NM_000166.6(GJB1):c.473C>T (p.Pro158Leu)

Gene: GJB1 (gap junction protein beta 1; plus strand). Cytogenetic location: Xq13.1.
Variant type: single nucleotide variant.
Coding change: c.473C>T on transcript NM_000166.6 (MANE Select); coding-DNA position 473, C replaced by T.
Protein change: p.Pro158Leu; replaces proline 158 with leucine.
Molecular consequence: missense variant.
Genome position (GRCh38, 1-based): chrX:71,224,180, C>T. VCF-style: chrX-71224180-C-T. GRCh37 (hg19) VCF-style: chrX-70444030-C-T.
Other names: c.473C>T, p.Pro158Leu (NM_001097642.3); short protein forms P158L.
Identifiers: ClinVar variation 1384655 (VCV001384655.8), dbSNP rs1602349439, ClinGen allele CA413502670.